The following is an entry in ClinVar:

ClinVar aggregate classification (germline): Uncertain significance (1 of 4 stars; one submission).

Conditions:
Osteogenesis imperfecta type 8 (OI8). Identifiers: MedGen C1970458, MONDO:0012581, OMIM 610915.

Allele frequency attached by ClinVar (database versions not stated): gnomAD exomes below 0.00001.
gnomAD v4.1: 6 of 1,610,400 alleles (0.00037%); highest among the groups gnomAD compares: Middle Eastern, 0.017%; no homozygotes.

Submission:

Labcorp Genetics (formerly Invitae), Labcorp
Classification: Uncertain significance for Osteogenesis imperfecta type 8. Last evaluated: 2021-09-01. Review status: criteria provided, single submitter. Criteria: Invitae Variant Classification Sherloc (09022015). Collection method: clinical testing. Allele origin: germline.
Comment: This sequence change replaces proline with threonine at codon 658 of the P3H1 protein (p.Pro658Thr). The proline residue is moderately conserved and there is a small physicochemical difference between proline and threonine. This variant is not present in population databases (ExAC no frequency). This variant has not been reported in the literature in individuals affected with P3H1-related conditions. Algorithms developed to predict the effect of missense changes on protein structure and function are either unavailable or do not agree on the potential impact of this missense change (SIFT: "Tolerated"; PolyPhen-2: "Probably Damaging"; Align-GVGD: "Class C0"). In summary, the available evidence is currently insufficient to determine the role of this variant in disease. Therefore, it has been classified as a Variant of Uncertain Significance.

NM_022356.4(P3H1):c.1972C>A (p.Pro658Thr)

Gene: P3H1 (prolyl 3-hydroxylase 1; minus strand). Cytogenetic location: 1p34.2.
Variant type: single nucleotide variant.
Coding change: c.1972C>A on transcript NM_022356.4 (MANE Select); coding-DNA position 1972, C replaced by A.
Protein change: p.Pro658Thr; replaces proline 658 with threonine.
Molecular consequence: missense variant.
Genome position (GRCh38, 1-based): chr1:42,747,355, G>T on the plus strand (C>A on the coding strand, the complement: P3H1 is on the minus strand). VCF-style: chr1-42747355-G-T. GRCh37 (hg19) VCF-style: chr1-43213026-G-T.
Other names: c.1972C>A, p.Pro658Thr (NM_001146289.2, NM_001243246.2); short protein forms P658T.
Identifiers: ClinVar variation 643686 (VCV000643686.6), dbSNP rs1570453990, ClinGen allele CA339952854.